The following is an entry in ClinVar:

NM_001271938.2(MEGF8):c.5407C>T (p.Arg1803Cys)

Gene: MEGF8 (multiple EGF like domains 8; plus strand). Cytogenetic location: 19q13.2.
Variant type: single nucleotide variant.
Coding change: c.5407C>T on transcript NM_001271938.2 (MANE Select); coding-DNA position 5407, C replaced by T.
Protein change: p.Arg1803Cys; replaces arginine 1803 with cysteine.
Molecular consequence: missense variant.
Genome position (GRCh38, 1-based): chr19:42,359,161, C>T. VCF-style: chr19-42359161-C-T. GRCh37 (hg19) VCF-style: chr19-42863313-C-T.
Other names: c.5206C>T, p.Arg1736Cys (NM_001410.3); short protein forms R1736C, R1803C.
Identifiers: ClinVar variation 1305386 (VCV001305386.2), dbSNP rs755807533, ClinGen allele CA9475564.
Genomic context (GRCh38, chr19:42,359,161, plus strand): 5'-CGCCCCCGGCTTTTCCACGCCTCAGCCCTGTTAGGGGACACCATGGTGGTTCTTGGGGGG[C>T]GCTCGGACCCTGACGAGTTCAGCAGCGACGTTCTGCTCTACCAGGTCAACTGCAATGCCT-3'
Protein context (NP_001258867.1, residues 1793-1813): LGDTMVVLGG[Arg1803Cys]SDPDEFSSDV

ClinVar aggregate classification (germline): Uncertain significance (1 of 4 stars; one submission).

Allele frequency attached by ClinVar (database versions not stated): TOPMed below 0.00001; gnomAD 0.00001; gnomAD exomes 0.00001; ExAC 0.00002.
gnomAD v4.1: 41 of 1,559,056 alleles (0.0026%); highest among the groups gnomAD compares: Non-Finnish European, 0.0035%; no homozygotes.

Submission:

GeneDx
Classification: Uncertain significance. Last evaluated: 2021-04-01. Review status: criteria provided, single submitter. Criteria: GeneDx Variant Classification Process June 2021. Collection method: clinical testing. Allele origin: germline. Affected: yes.
Comment: Not observed at a significant frequency in large population cohorts (Lek et al., 2016); In silico analysis, which includes protein predictors and evolutionary conservation, supports a deleterious effect; Has not been previously published as pathogenic or benign to our knowledge